The following is an entry in ClinVar:

ClinVar aggregate classification (germline): Uncertain significance. Review status: criteria provided, multiple submitters, no conflicts (2 of 4 stars). 3 submissions from 3 submitters: Uncertain significance (3). Last evaluated 2024-12-13.

Conditions:
Inborn genetic diseases. Identifiers: MedGen C0950123, MeSH D030342.
Hyper-IgE recurrent infection syndrome 3, autosomal recessive. Also called: Autosomal recessive hyper-IgE syndrome due to ZNF341 deficiency; HYPER-IgE SYNDROME 3, AUTOSOMAL RECESSIVE, WITH RECURRENT INFECTIONS. Identifiers: Orphanet 641368, MedGen C4748969, MONDO:0032654, OMIM 618282.

Allele frequency attached by ClinVar (database versions not stated): gnomAD 0.00001; gnomAD exomes 0.00003; TOPMed 0.00004.
gnomAD v4.1: 54 of 1,550,504 alleles (0.0035%); highest among the groups gnomAD compares: Middle Eastern, 0.017%; no homozygotes.

Submissions (3):

Ambry Genetics
Classification: Uncertain significance for Inborn genetic diseases. Last evaluated: 2024-12-13. Review status: criteria provided, single submitter. Criteria: Ambry Variant Classification Scheme 2023. Collection method: clinical testing. Allele origin: germline.

Labcorp Genetics (formerly Invitae), Labcorp
Classification: Uncertain significance for Combined immunodeficiency due to DOCK8 deficiency. Last evaluated: 2024-01-29. Review status: criteria provided, single submitter. Criteria: Invitae Variant Classification Sherloc (09022015). Collection method: clinical testing. Allele origin: germline.
Comment: This sequence change replaces leucine, which is neutral and non-polar, with phenylalanine, which is neutral and non-polar, at codon 50 of the DOCK8 protein (p.Leu50Phe). This variant is present in population databases (no rsID available, gnomAD 0.008%). This variant has not been reported in the literature in individuals affected with DOCK8-related conditions. ClinVar contains an entry for this variant (Variation ID: 858726). An algorithm developed to predict the effect of missense changes on protein structure and function (PolyPhen-2) suggests that this variant¬†is likely to be tolerated. In summary, the available evidence is currently insufficient to determine the role of this variant in disease. Therefore, it has been classified as a Variant of Uncertain Significance.

CeGaT Center for Human Genetics Tuebingen
Classification: Uncertain significance. Last evaluated: 2023-09-01. Review status: criteria provided, single submitter. Criteria: CeGaT Center For Human Genetics Tuebingen Variant Classification Criteria Version 2. Collection method: clinical testing. Allele origin: germline. Affected: yes. Observed: 1 variant allele.
Comment: DOCK8: PM2, BP4

NM_203447.4(DOCK8):c.148C>T (p.Leu50Phe)

Gene: DOCK8 (dedicator of cytokinesis 8; plus strand). Cytogenetic location: 9p24.3.
Variant type: single nucleotide variant.
Coding change: c.148C>T on transcript NM_203447.4 (MANE Select); coding-DNA position 148, C replaced by T.
Protein change: p.Leu50Phe; replaces leucine 50 with phenylalanine.
Molecular consequence: missense variant.
Genome position (GRCh38, 1-based): chr9:271,721, C>T. VCF-style: chr9-271721-C-T. GRCh37 (hg19) VCF-style: chr9-271721-C-T.
Other names: short protein forms L50F.
Identifiers: ClinVar variation 858726 (VCV000858726.32), dbSNP rs1045835531, ClinGen allele CA187758129.